The following is an entry in ClinVar:

NM_015378.4(VPS13D):c.293A>G (p.Asn98Ser)

Gene: VPS13D (vacuolar protein sorting 13 homolog D; plus strand). Cytogenetic location: 1p36.22.
Variant type: single nucleotide variant.
Coding change: c.293A>G on transcript NM_015378.4 (MANE Select); coding-DNA position 293, A replaced by G.
Protein change: p.Asn98Ser; replaces asparagine 98 with serine.
Molecular consequence: missense variant.
Genome position (GRCh38, 1-based): chr1:12,244,363, A>G. VCF-style: chr1-12244363-A-G. GRCh37 (hg19) VCF-style: chr1-12304420-A-G.
Other names: c.293A>G, p.Asn98Ser (NM_018156.4); short protein forms N98S.
Identifiers: ClinVar variation 1029392 (VCV001029392.3), dbSNP rs776251343, ClinGen allele CA601162.

ClinVar aggregate classification (germline): Uncertain significance. Review status: criteria provided, multiple submitters, no conflicts (2 of 4 stars). 2 submissions from 2 submitters: Uncertain significance (2). Last evaluated 2022-09-02.

Conditions:
Autosomal recessive cerebellar ataxia-saccadic intrusion syndrome. Also called: SPINOCEREBELLAR ATAXIA 24; VPS13D Movement Disorder. Identifiers: Orphanet 95434, MedGen C1846492, MONDO:0011811, OMIM 607317.

Allele frequency attached by ClinVar (database versions not stated): ExAC 0.00002; gnomAD exomes 0.00002; TOPMed 0.00003; gnomAD 0.00005.
gnomAD v4.1: 44 of 1,614,102 alleles (0.0027%); highest among the groups gnomAD compares: Middle Eastern, 0.016%; no homozygotes.

Submissions (2):

Labcorp Genetics (formerly Invitae), Labcorp
Classification: Uncertain significance. Last evaluated: 2022-09-02. Review status: criteria provided, single submitter. Criteria: Invitae Variant Classification Sherloc (09022015). Collection method: clinical testing. Allele origin: germline.
Comment: ClinVar contains an entry for this variant (Variation ID: 1029392). This variant has not been reported in the literature in individuals affected with VPS13D-related conditions. The frequency data for this variant in the population databases is considered unreliable, as metrics indicate poor data quality at this position in the gnomAD database. This sequence change replaces asparagine, which is neutral and polar, with serine, which is neutral and polar, at codon 98 of the VPS13D protein (p.Asn98Ser). In summary, the available evidence is currently insufficient to determine the role of this variant in disease. Therefore, it has been classified as a Variant of Uncertain Significance. Algorithms developed to predict the effect of missense changes on protein structure and function (SIFT, PolyPhen-2, Align-GVGD) all suggest that this variant is likely to be tolerated.

Baylor Genetics
Classification: Uncertain significance for Autosomal recessive cerebellar ataxia-saccadic intrusion syndrome. Last evaluated: 2019-07-18. Review status: criteria provided, single submitter. Criteria: ACMG Guidelines, 2015. Collection method: clinical testing. Allele origin: unknown. Affected: yes.
Comment: This variant was determined to be of uncertain significance according to ACMG Guidelines, 2015 [PMID:25741868].